The following is an entry in ClinVar:

NM_007214.5(SEC63):c.*2662G>A

Gene: SEC63 (SEC63 homolog, protein translocation regulator; minus strand). Cytogenetic location: 6q21.
Variant type: single nucleotide variant.
Coding change: c.*2662G>A on transcript NM_007214.5 (MANE Select); 2662 bases downstream of the stop codon, G replaced by A.
Molecular consequence: 3 prime UTR variant.
Genome position (GRCh38, 1-based): chr6:107,869,042, C>T on the plus strand (G>A on the coding strand, the complement: SEC63 is on the minus strand). VCF-style: chr6-107869042-C-T. GRCh37 (hg19) VCF-style: chr6-108190246-C-T.
Identifiers: ClinVar variation 354842 (VCV000354842.5), dbSNP rs513325, ClinGen allele CA10622616.

ClinVar aggregate classification (germline): Benign (1 of 4 stars; one submission).

Conditions:
Polycystic liver disease 2 (PCLD2). Also called: Polycystic liver disease 2 with or without kidney cysts. Identifiers: Orphanet 2924, MedGen C4310769, MONDO:0014860, OMIM 617004.

Allele frequency attached by ClinVar (database versions not stated): 1000 Genomes Project 30x 0.86774; gnomAD 0.88235 and 0.88075; 1000 Genomes Project 0.86262; gnomAD exomes 0.86765; TOPMed 0.88529.
gnomAD v4.1: 133,931 of 152,120 alleles (88%); highest among the groups gnomAD compares: Middle Eastern, 92%; 59,107 homozygotes.

Submission:

Illumina Laboratory Services, Illumina
Classification: Benign for Polycystic liver disease 2. Last evaluated: 2018-01-13. Review status: criteria provided, single submitter. Criteria: ICSL Variant Classification Criteria 13 December 2019. Collection method: clinical testing. Allele origin: germline.
Comment: This variant was observed in the ICSL laboratory as part of a predisposition screen in an ostensibly healthy population. It had not been previously curated by ICSL or reported in the Human Gene Mutation Database (HGMD: prior to June 1st, 2018), and was therefore a candidate for classification through an automated scoring system. Utilizing variant allele frequency, disease prevalence and penetrance estimates, and inheritance mode, an automated score was calculated to assess if this variant is too frequent to cause the disease. Based on the score and internal cut-off values, a variant classified as benign is not then subjected to further curation. The score for this variant resulted in a classification of benign for this disease.